The following is an entry in ClinVar:

NM_000127.3(EXT1):c.1317dup (p.Arg440fs)

Gene: EXT1 (exostosin glycosyltransferase 1; minus strand). Cytogenetic location: 8q24.11.
Variant type: Duplication.
Coding change: c.1317dup on transcript NM_000127.3 (MANE Select); coding-DNA position 1317, one base duplicated (A; older notation c.1317dupA).
Protein change: p.Arg440fs; shifts the reading frame from arginine 440.
Molecular consequence: frameshift variant.
Genome position (GRCh38, 1-based): chr8:117,822,565, T duplicated on the plus strand (A on the coding strand, the reverse complement: EXT1 is on the minus strand). VCF-style (leftmost placement, unchanged base first): chr8-117822564-G-GT. GRCh37 (hg19) VCF-style: chr8-118834803-G-GT.
Other names: short protein forms R440fs.
Identifiers: ClinVar variation 2745970 (VCV002745970.3), dbSNP rs2488113860, ClinGen allele CA2697550108.
Genomic context (GRCh38, chr8:117,822,564, plus strand): 5'-ATGAATACTGTGGTAGTACGAACAATCCTCCAGGATGTTTGTTCCATATTAAACTGTTAC[G>GT]TGATATGTGCTTGAATATTCTGTCCTGAATAATCTAGAAAATAAAACATAGCACACAGTG-3'

ClinVar aggregate classification (germline): Pathogenic (1 of 4 stars; one submission).

Conditions:
Multiple congenital exostosis (EXT). Also called: Multiple exostoses; Hereditary multiple osteochondromas; Hereditary multiple exostoses; Hereditary multiple exostosis; Multiple osteochondromas; MULTIPLE CARTILAGINOUS EXOSTOSES. Identifiers: Orphanet 321, MedGen C0015306, MONDO:0005508, HP:0002762.

Submission:

Labcorp Genetics (formerly Invitae), Labcorp
Classification: Pathogenic for Multiple congenital exostosis. Last evaluated: 2023-07-23. Review status: criteria provided, single submitter. Criteria: Invitae Variant Classification Sherloc (09022015). Collection method: clinical testing. Allele origin: germline.
Comment: This sequence change creates a premature translational stop signal (p.Arg440Thrfs*2) in the EXT1 gene. It is expected to result in an absent or disrupted protein product. Loss-of-function variants in EXT1 are known to be pathogenic (PMID: 10679937, 11391482, 19810120). For these reasons, this variant has been classified as Pathogenic. This variant has not been reported in the literature in individuals affected with EXT1-related conditions. This variant is not present in population databases (gnomAD no frequency).

Literature cited by the submitters: PubMed 10679937; PubMed 11391482; PubMed 19810120.